The following is an entry in ClinVar:

ClinVar aggregate classification (germline): Uncertain significance (1 of 4 stars; one submission).

Submission:

GeneDx
Classification: Uncertain significance. Last evaluated: 2024-02-02. Review status: criteria provided, single submitter. Criteria: GeneDx Variant Classification Process June 2021. Collection method: clinical testing. Allele origin: germline. Affected: yes.
Comment: Reported using an alternate transcript of the gene; Not observed at significant frequency in large population cohorts (gnomAD); Nucleotide is not conserved across species and the substitution has no predicted effect on splicing; Has not been previously published as pathogenic or benign to our knowledge

NM_001281740.3(FHOD3):c.1691C>T (p.Pro564Leu)

Gene: FHOD3 (formin homology 2 domain containing 3; plus strand). Cytogenetic location: 18q12.2.
Variant type: single nucleotide variant.
Coding change: c.1691C>T on transcript NM_001281740.3 (MANE Select); coding-DNA position 1691, C replaced by T.
Protein change: p.Pro564Leu; replaces proline 564 with leucine.
Molecular consequence: missense variant. On other transcripts: intron variant (2).
Genome position (GRCh38, 1-based): chr18:36,653,386, C>T. VCF-style: chr18-36653386-C-T. GRCh37 (hg19) VCF-style: chr18-34233349-C-T.
Other names: c.1197-4689C>T (NM_025135.5, NM_001281739.3); short protein forms P564L.
Identifiers: ClinVar variation 3368536 (VCV003368536.1).
Genomic context (GRCh38, chr18:36,653,386, plus strand): 5'-TTTCTTCCTTTGACAGTTCCTCTGATTCTTTCTCTTTGAGCACATATTCTGCCTCTGAGC[C>T]TTACCACTTCCGATCTTTCTCTTCTAATAGGTGGGTGTCTTTATTTTCTTTCCCTTTTCT-3'
Protein context (NP_001268669.1, residues 554-574): FSLSTYSASE[Pro564Leu]YHFRSFSSNR